The following is an entry in ClinVar:

ClinVar aggregate classification (germline): Benign. Review status: criteria provided, multiple submitters, no conflicts (2 of 4 stars). 3 submissions from 3 submitters: Benign (3). Last evaluated 2021-05-10.

Conditions:
Congenital generalized lipodystrophy type 1 (CGL1). Also called: BRUNZELL SYNDROME, AGPAT2-RELATED; Berardinelli-Seip Congenital Lipodystrophy Type 1. Identifiers: Orphanet 528, Orphanet 696189, MedGen C1720862, MONDO:0012071, OMIM 608594.

Allele frequency attached by ClinVar (database versions not stated): 1000 Genomes Project 30x 0.04856; 1000 Genomes Project 0.04892; gnomAD 0.06872 and 0.06932; TOPMed 0.07254; gnomAD exomes 0.09334.
gnomAD v4.1: 119,229 of 1,318,512 alleles (9%); highest among the groups gnomAD compares: Non-Finnish European, 10%; 5,777 homozygotes.

Submissions (3):

GeneDx
Classification: Benign. Last evaluated: 2021-05-10. Review status: criteria provided, single submitter. Criteria: GeneDx Variant Classification Process June 2021. Collection method: clinical testing. Allele origin: germline. Affected: yes.

Illumina Laboratory Services, Illumina
Classification: Benign for Congenital generalized lipodystrophy type 1. Last evaluated: 2018-01-13. Review status: criteria provided, single submitter. Criteria: ICSL Variant Classification Criteria 13 December 2019. Collection method: clinical testing. Allele origin: germline.
Comment: This variant was observed in the ICSL laboratory as part of a predisposition screen in an ostensibly healthy population. It had not been previously curated by ICSL or reported in the Human Gene Mutation Database (HGMD: prior to June 1st, 2018), and was therefore a candidate for classification through an automated scoring system. Utilizing variant allele frequency, disease prevalence and penetrance estimates, and inheritance mode, an automated score was calculated to assess if this variant is too frequent to cause the disease. Based on the score and internal cut-off values, a variant classified as benign is not then subjected to further curation. The score for this variant resulted in a classification of benign for this disease.

Breakthrough Genomics
Classification: Benign. Review status: criteria provided, single submitter. Criteria: ACMG Guidelines, 2015. Collection method: not provided. Allele origin: germline. Inheritance: Autosomal recessive inheritance. Affected: yes.

NM_006412.4(AGPAT2):c.-67G>C

Gene: AGPAT2 (1-acylglycerol-3-phosphate O-acyltransferase 2; minus strand). Cytogenetic location: 9q34.3.
Variant type: single nucleotide variant.
Coding change: c.-67G>C on transcript NM_006412.4 (MANE Select); 67 bases upstream of the start codon, G replaced by C.
Molecular consequence: 5 prime UTR variant.
Genome position (GRCh38, 1-based): chr9:136,687,424, C>G on the plus strand (G>C on the coding strand, the complement: AGPAT2 is on the minus strand). VCF-style: chr9-136687424-C-G. GRCh37 (hg19) VCF-style: chr9-139581876-C-G.
Other names: c.-67G>C (NM_001012727.2).
Identifiers: ClinVar variation 365940 (VCV000365940.8), dbSNP rs146341067, ClinGen allele CA10626936.